The following is an entry in ClinVar:

ClinVar aggregate classification (germline): Uncertain significance (1 of 4 stars; one submission).

Conditions:
Long QT syndrome (LQTS). Identifiers: MedGen C0023976, MeSH D008133, MONDO:0002442. Disease mechanism: loss of function. Inheritance: Various modes of inheritance.

Submission:

Labcorp Genetics (formerly Invitae), Labcorp
Classification: Uncertain significance for Long QT syndrome. Last evaluated: 2022-02-05. Review status: criteria provided, single submitter. Criteria: Invitae Variant Classification Sherloc (09022015). Collection method: clinical testing. Allele origin: germline.
Comment: Algorithms developed to predict the effect of missense changes on protein structure and function (SIFT, PolyPhen-2, Align-GVGD) all suggest that this variant is likely to be tolerated. This variant has not been reported in the literature in individuals affected with KCNH2-related conditions. This variant is not present in population databases (gnomAD no frequency). This sequence change replaces leucine, which is neutral and non-polar, with proline, which is neutral and non-polar, at codon 256 of the KCNH2 protein (p.Leu256Pro). In summary, the available evidence is currently insufficient to determine the role of this variant in disease. Therefore, it has been classified as a Variant of Uncertain Significance.

NM_000238.4(KCNH2):c.767T>C (p.Leu256Pro)

Gene: KCNH2 (potassium voltage-gated channel subfamily H member 2; minus strand). Cytogenetic location: 7q36.1.
Variant type: single nucleotide variant.
Coding change: c.767T>C on transcript NM_000238.4 (MANE Select); coding-DNA position 767, T replaced by C.
Protein change: p.Leu256Pro; replaces leucine 256 with proline.
Molecular consequence: missense variant.
Genome position (GRCh38, 1-based): chr7:150,958,208, A>G on the plus strand (T>C on the coding strand, the complement: KCNH2 is on the minus strand). VCF-style: chr7-150958208-A-G. GRCh37 (hg19) VCF-style: chr7-150655296-A-G.
Other names: c.479T>C, p.Leu160Pro (NM_001406753.1, NM_001406756.1); c.590T>C, p.Leu197Pro (NM_001406755.1); c.467T>C, p.Leu156Pro (NM_001406757.1); c.767T>C, p.Leu256Pro (NM_172056.3); short protein forms L256P, L160P, L197P, L156P.
Identifiers: ClinVar variation 2194844 (VCV002194844.4), dbSNP rs2486090267, ClinGen allele CA369862570.